The following is an entry in ClinVar:

ClinVar aggregate classification (germline): Uncertain significance (1 of 4 stars; one submission).

Allele frequency attached by ClinVar (database versions not stated): gnomAD 0.00001; gnomAD exomes 0.00001; TOPMed 0.00002.
gnomAD v4.1: 20 of 1,610,114 alleles (0.0012%); highest among the groups gnomAD compares: Non-Finnish European, 0.0017%; no homozygotes.

Submission:

Labcorp Genetics (formerly Invitae), Labcorp
Classification: Uncertain significance. Last evaluated: 2025-09-02. Review status: criteria provided, single submitter. Criteria: Invitae Variant Classification Sherloc (09022015). Collection method: clinical testing. Allele origin: germline.
Comment: This sequence change replaces leucine, which is neutral and non-polar, with phenylalanine, which is neutral and non-polar, at codon 133 of the SCN3A protein (p.Leu133Phe). This variant is present in population databases (no rsID available, gnomAD 0.002%). This variant has not been reported in the literature in individuals affected with SCN3A-related conditions. ClinVar contains an entry for this variant (Variation ID: 951454). Invitae Evidence Modeling of protein sequence and biophysical properties (such as structural, functional, and spatial information, amino acid conservation, physicochemical variation, residue mobility, and thermodynamic stability) indicates that this missense variant is not expected to disrupt SCN3A protein function with a negative predictive value of 95%. In summary, the available evidence is currently insufficient to determine the role of this variant in disease. Therefore, it has been classified as a Variant of Uncertain Significance.

NM_006922.4(SCN3A):c.397C>T (p.Leu133Phe)

Gene: SCN3A (sodium voltage-gated channel alpha subunit 3; minus strand). Cytogenetic location: 2q24.3.
Variant type: single nucleotide variant.
Coding change: c.397C>T on transcript NM_006922.4 (MANE Select); coding-DNA position 397, C replaced by T.
Protein change: p.Leu133Phe; replaces leucine 133 with phenylalanine.
Molecular consequence: missense variant.
Genome position (GRCh38, 1-based): chr2:165,168,812, G>A on the plus strand (C>T on the coding strand, the complement: SCN3A is on the minus strand). VCF-style: chr2-165168812-G-A. GRCh37 (hg19) VCF-style: chr2-166025322-G-A.
Other names: c.397C>T, p.Leu133Phe (NM_001081676.2, NM_001081677.2); short protein forms L133F.
Identifiers: ClinVar variation 951454 (VCV000951454.7), dbSNP rs1056441967, ClinGen allele CA60230810.